The following is an entry in ClinVar:

ClinVar aggregate classification (germline): Uncertain significance (1 of 4 stars; one submission).

Conditions:
Bainbridge-Ropers syndrome. Also called: Severe feeding difficulties-failure to thrive-microcephaly due to ASXL3 deficiency syndrome. Identifiers: Orphanet 352577, MedGen C4750837, MONDO:0014205, OMIM 615485.

gnomAD v4.1: 1 of 1,614,018 alleles (0.000062%); highest among the groups gnomAD compares: Non-Finnish European, 0.000085%; no homozygotes.

Submission:

Pittsburgh Clinical Genomics Laboratory, University of Pittsburgh Medical Center
Classification: Uncertain significance for Bainbridge-Ropers syndrome. Last evaluated: 2023-07-05. Review status: criteria provided, single submitter. Criteria: ACMG Guidelines, 2015. Collection method: clinical testing. Allele origin: germline. Inheritance: Autosomal dominant inheritance. Affected: yes.
Comment: This sequence variant is a single nucleotide substitution (C>T) at position 4931 of the coding sequence of the ASXL3 gene that results in a threonine to isoleucine amino acid change at residue 1644 of the ASXL transcriptiol regulator 3 protein. This variant is absent from ClinVar and has not been observed in the published literature in individuals with ASXL3-related illness, to our knowledge. This variant is present in 1 of 249202 alleles (0.0004%) in the gnomAD population dataset. Multiple bioinformatic tools predict that this threonine to isoleucine amino acid change would be neutral, and the threonine residue at this position is well conserved across the mammalian species examined. Studies examining the functiol consequence of this variant have not been performed, to our knowledge. At this time, there is insufficient evidence to determine if this variant is pathogenic or benign. Therefore, we consider this to be a variant of uncertain significance. ACMG Criteria: BP1, BP4, PM2

NM_030632.3(ASXL3):c.4931C>T (p.Thr1644Ile)

Gene: ASXL3 (ASXL transcriptional regulator 3; plus strand). Cytogenetic location: 18q12.1.
Variant type: single nucleotide variant.
Coding change: c.4931C>T on transcript NM_030632.3 (MANE Select); coding-DNA position 4931, C replaced by T.
Protein change: p.Thr1644Ile; replaces threonine 1644 with isoleucine.
Molecular consequence: missense variant.
Genome position (GRCh38, 1-based): chr18:33,744,779, C>T. VCF-style: chr18-33744779-C-T. GRCh37 (hg19) VCF-style: chr18-31324743-C-T.
Other names: short protein forms T1644I.
Identifiers: ClinVar variation 3376311 (VCV003376311.1).
Genomic context (GRCh38, chr18:33,744,779, plus strand): 5'-ACTCGGGTTCAAGTAAACAAAAAGAATATCTAGAGCAAAGCTGTCCAAAGGCTATCAAAA[C>T]TGAACATGCCAACTACTTGAACGTGTCAGAACTTCATCCCAGGAATCTTGTAACAAATGT-3'
Protein context (NP_085135.1, residues 1634-1654): LEQSCPKAIK[Thr1644Ile]EHANYLNVSE